The following is an entry in ClinVar:

NM_032188.3(KAT8):c.269A>G (p.Tyr90Cys)

Gene: KAT8 (lysine acetyltransferase 8; plus strand). Cytogenetic location: 16p11.2.
Variant type: single nucleotide variant.
Coding change: c.269A>G on transcript NM_032188.3 (MANE Select); coding-DNA position 269, A replaced by G.
Protein change: p.Tyr90Cys; replaces tyrosine 90 with cysteine.
Molecular consequence: missense variant.
Genome position (GRCh38, 1-based): chr16:31,120,243, A>G. VCF-style: chr16-31120243-A-G. GRCh37 (hg19) VCF-style: chr16-31131564-A-G.
Other names: c.269A>G (NM_182958.2); c.269A>G, p.Tyr90Cys (NM_182958.4); short protein forms Y90C.
Identifiers: ClinVar variation 976460 (VCV000976460.8), dbSNP rs2057483219, ClinGen allele CA395668151.
Genomic context (GRCh38, chr16:31,120,243, plus strand): 5'-CAGATTCTGCTGAAGTGATCCAGTCTCGAGTGAACGACCAGGAGGGCCGAGAGGAATTCT[A>G]TGTACACTACGTGGGCTGTGAGTGGCTTGGCACATCTGGGCGTGGGTGCAGGGAGTTGGC-3'
Protein context (NP_115564.2, residues 80-100): VNDQEGREEF[Tyr90Cys]VHYVGFNRRL

ClinVar aggregate classification (germline): Likely pathogenic. Review status: criteria provided, multiple submitters, no conflicts (2 of 4 stars). 4 submissions from 4 submitters: Likely pathogenic (3). 1 of the submissions does not count toward it. Last evaluated 2026-06-01.

Conditions:
Li-Ghorbani-Weisz-Hubshman syndrome. Identifiers: MedGen C5436525, MONDO:0033547, OMIM 618974.
Inborn genetic diseases. Identifiers: MedGen C0950123, MeSH D030342.

Submissions (4):

CeGaT Center for Human Genetics Tuebingen
Classification: Likely pathogenic. Last evaluated: 2026-06-01. Review status: criteria provided, single submitter. Criteria: CeGaT Center For Human Genetics Tuebingen Variant Classification Criteria Version 2. Collection method: clinical testing. Allele origin: germline. Affected: yes. Observed: 1 variant allele.
Comment: KAT8: PM2, PS2:Moderate, PS4:Moderate, PP2, PS3:Supporting

Ambry Genetics
Classification: Likely pathogenic for Inborn genetic diseases. Last evaluated: 2021-09-16. Review status: criteria provided, single submitter. Criteria: Ambry Variant Classification Scheme 2023. Collection method: clinical testing. Allele origin: germline.
Comment: The c.269A>G (p.Y90C) alteration is located in exon 2 (coding exon 2) of the KAT8 gene. This alteration results from an A to G substitution at nucleotide position 269, causing the tyrosine (Y) at amino acid position 90 to be replaced by a cysteine (C). This variant was not reported in population-based cohorts in the Genome Aggregation Database (gnomAD). This alteration has been reported de novo in three unrelated patients with a neurodevelopmental disorder (Li, 2020). This amino acid position is highly conserved in available vertebrate species. The in silico prediction for this alteration is inconclusive. Based on the available evidence, this alteration is classified as likely pathogenic.

Juno Genomics, Hangzhou Juno Genomics, Inc
Classification: Likely pathogenic for Li-Ghorbani-Weisz-Hubshman syndrome. Review status: criteria provided, single submitter. Criteria: ACMG Guidelines, 2015. Collection method: clinical testing. Allele origin: germline. Affected: yes.
Comment: Absent from controls (or at extremely low frequency if recessive) in Genome Aggregation Database, Exome Sequencing Project, 1000 Genomes Project, or Exome Aggregation Consortium.;Well-established in vitro or in vivo functional studies supportive of a damaging effect on the gene or gene product.;The prevalence of the variant in affected individuals is significantly increased compared to the prevalence in controls.;Patient's phenotype or family history is highly specific for a disease with a single genetic etiology.;Assumed de novo, but without confirmation of paternity and maternity.

OMIM
Classification: Pathogenic for LI-GHORBANI-WEISZ-HUBSHMAN SYNDROME. Last evaluated: 2020-08-12. Review status: no assertion criteria provided. Collection method: literature only. Allele origin: germline. Not counted in ClinVar's aggregate classification.

Literature cited by the submitters: PubMed 31794431 (cited by Ambry Genetics and OMIM).